The following is an entry in ClinVar:

NM_000043.6(FAS):c.*70G>C

Gene: FAS (Fas cell surface death receptor; plus strand). Cytogenetic location: 10q23.31.
Variant type: single nucleotide variant.
Coding change: c.*70G>C on transcript NM_000043.6 (MANE Select); 70 bases downstream of the stop codon, G replaced by C.
Molecular consequence: 3 prime UTR variant. On other transcripts: non-coding transcript variant (7).
Genome position (GRCh38, 1-based): chr10:89,014,520, G>C. VCF-style: chr10-89014520-G-C. GRCh37 (hg19) VCF-style: chr10-90774277-G-C.
Other names: c.*401G>C (NM_001320619.2); c.*70G>C (NM_152871.4); c.*390G>C (NM_152872.4).
Identifiers: ClinVar variation 877929 (VCV000877929.4), dbSNP rs80330323, ClinGen allele CA5593256.

ClinVar aggregate classification (germline): Likely benign (1 of 4 stars; one submission).

Conditions:
Autoimmune lymphoproliferative syndrome type 1. Also called: AUTOIMMUNE LYMPHOPROLIFERATIVE SYNDROME, TYPE I, AUTOSOMAL DOMINANT. Identifiers: Orphanet 3261, MedGen C2717884, MONDO:0011158, OMIM 601859.

Allele frequency attached by ClinVar (database versions not stated): gnomAD 0.00012 and 0.00013; ExAC 0.00018; TOPMed 0.00008.
gnomAD v4.1: 135 of 1,415,058 alleles (0.0095%); highest among the groups gnomAD compares: Middle Eastern, 0.1%; no homozygotes.

Submission:

Illumina Laboratory Services, Illumina
Classification: Likely benign for Autoimmune lymphoproliferative syndrome type 1. Last evaluated: 2018-01-12. Review status: criteria provided, single submitter. Criteria: ICSL Variant Classification Criteria 13 December 2019. Collection method: clinical testing. Allele origin: germline.
Comment: This variant was observed in the ICSL laboratory as part of a predisposition screen in an ostensibly healthy population. It had not been previously curated by ICSL or reported in the Human Gene Mutation Database (HGMD: prior to June 1st, 2018), and was therefore a candidate for classification through an automated scoring system. Utilizing variant allele frequency, disease prevalence and penetrance estimates, and inheritance mode, an automated score was calculated to assess if this variant is too frequent to cause the disease. Based on the score and internal cut-off values, a variant classified as likely benign is not then subjected to further curation. The score for this variant resulted in a classification of likely benign for this disease.